The following is an entry in ClinVar:

NM_080605.4(B3GALT6):c.235A>G (p.Thr79Ala)

Gene: B3GALT6 (beta-1,3-galactosyltransferase 6; plus strand). Cytogenetic location: 1p36.33.
Variant type: single nucleotide variant.
Coding change: c.235A>G on transcript NM_080605.4 (MANE Select); coding-DNA position 235, A replaced by G.
Protein change: p.Thr79Ala; replaces threonine 79 with alanine.
Molecular consequence: missense variant.
Genome position (GRCh38, 1-based): chr1:1,232,513, A>G. VCF-style: chr1-1232513-A-G. GRCh37 (hg19) VCF-style: chr1-1167893-A-G.
Other names: short protein forms T79A.
Identifiers: ClinVar variation 2925287 (VCV002925287.5), dbSNP rs1638540007, ClinGen allele CA337823582.

ClinVar aggregate classification (germline): Pathogenic. Review status: criteria provided, multiple submitters, no conflicts (2 of 4 stars). 3 submissions from 3 submitters: Pathogenic (3). Last evaluated 2025-04-30.

Conditions:
B3GALT6-related disorders.
Al-Gazali syndrome. Also called: Al Gazali Al Talabani syndrome; Eye defects arachnodactyly cardiopathy. Identifiers: MedGen C1836121, MONDO:0012282, OMIM 609465.
Ehlers-Danlos syndrome, spondylodysplastic type, 2 (EDSSPD2). Also called: Ehlers-Danlos syndrome, progeroid type, 2. Identifiers: Orphanet 536467, Orphanet 75496, MedGen C3809210, MONDO:0014139, OMIM 615349.
Spondyloepimetaphyseal dysplasia with joint laxity, type 1, with or without fractures (SEMDJL1). Also called: SPONDYLOEPIMETAPHYSEAL DYSPLASIA WITH JOINT LAXITY, TYPE 1. Identifiers: Orphanet 642099, Orphanet 93359, MedGen C4017377, MONDO:0010075, OMIM 271640.
Spondyloepimetaphyseal dysplasia with joint laxity (SEMDJL). Identifiers: MedGen C0432243, MONDO:0019675.

Allele frequency attached by ClinVar (database versions not stated): gnomAD exomes below 0.00001.

Submissions (3):

First Genomix Gene Laboratory, Genetic Diagnostics Department
Classification: Pathogenic for Al-Gazali syndrome; Ehlers-Danlos syndrome, spondylodysplastic type, 2; Spondyloepimetaphyseal dysplasia with joint laxity, type 1, with or without fractures. Last evaluated: 2025-04-30. Review status: criteria provided, single submitter. Criteria: ACMG Guidelines, 2015. Collection method: clinical testing. Allele origin: germline. Inheritance: Autosomal recessive inheritance. Affected: no. Observed: 1 variant allele.

Labcorp Genetics (formerly Invitae), Labcorp
Classification: Pathogenic for Ehlers-Danlos syndrome, spondylodysplastic type, 2; Spondyloepimetaphyseal dysplasia with joint laxity. Last evaluated: 2024-02-15. Review status: criteria provided, single submitter. Criteria: Invitae Variant Classification Sherloc (09022015). Collection method: clinical testing. Allele origin: germline.
Comment: This sequence change replaces threonine, which is neutral and polar, with alanine, which is neutral and non-polar, at codon 79 of the B3GALT6 protein (p.Thr79Ala). The frequency data for this variant in the population databases is considered unreliable, as metrics indicate insufficient coverage at this position in the gnomAD database. This missense change has been observed in individuals with spondyloepimetaphyseal dysplasia (PMID: 24766538). It is commonly reported in individuals of South African ancestry (PMID: 24766538). Advanced modeling of protein sequence and biophysical properties (such as structural, functional, and spatial information, amino acid conservation, physicochemical variation, residue mobility, and thermodynamic stability) performed at Invitae indicates that this missense variant is expected to disrupt B3GALT6 protein function with a positive predictive value of 80%. Experimental studies have shown that this missense change affects B3GALT6 function (PMID: 29443383). For these reasons, this variant has been classified as Pathogenic.

Blueprint Genetics
Classification: Pathogenic for B3GALT6-related disorders. Last evaluated: 2018-11-12. Review status: criteria provided, single submitter. Criteria: ACMG Guidelines, 2015. Collection method: clinical testing. Allele origin: germline. Affected: yes. Observed: 2 variant alleles.

Literature cited by the submitters: PubMed 24766538 (cited by Labcorp Genetics (formerly Invitae), Labcorp); PubMed 29443383 (cited by Labcorp Genetics (formerly Invitae), Labcorp).